The following is an entry in ClinVar:

NM_000179.3(MSH6):c.216C>G (p.Leu72=)

Gene: MSH6 (mutS homolog 6; plus strand). Cytogenetic location: 2p16.3.
Variant type: single nucleotide variant.
Coding change: c.216C>G on transcript NM_000179.3 (MANE Select); coding-DNA position 216, C replaced by G.
Protein change: p.Leu72=; no amino-acid change (leucine 72 retained).
Molecular consequence: synonymous variant. On other transcripts: 5 prime UTR variant (1).
Genome position (GRCh38, 1-based): chr2:47,783,449, C>G. VCF-style: chr2-47783449-C-G. GRCh37 (hg19) VCF-style: chr2-48010588-C-G.
Other names: c.216C>G, p.Leu72= (NM_001281492.2); c.-521C>G (NM_001281493.2).
Identifiers: ClinVar variation 385177 (VCV000385177.18), dbSNP rs963404377, ClinGen allele CA16604264.
Genomic context (GRCh38, chr2:47,783,449, plus strand): 5'-GGCTGGGCCTGGGCCCAGGCCCTTGGCGCGCTCCGCGTCACCGCCCAAGGCGAAGAACCT[C>G]AACGGAGGGCTGCGGAGATCGGTAGCGCCTGCTGCCCCCACCAGGTAGCGGGGTGGGGGT-3'
Protein context (NP_000170.1, residues 62-82): RSASPPKAKN[Leu72=]NGGLRRSVAP

ClinVar aggregate classification (germline): Conflicting classifications of pathogenicity. Review status: criteria provided, conflicting classifications (1 of 4 stars). 5 submissions from 5 submitters: Uncertain significance (1); Benign (1); Likely benign (3). Last evaluated 2025-11-16.

Conditions:
Hereditary cancer-predisposing syndrome. Also called: Hereditary Cancer Syndrome; Hereditary neoplastic syndrome; Neoplastic Syndromes, Hereditary; Tumor predisposition. Identifiers: Orphanet 140162, MedGen C0027672, MeSH D009386, MONDO:0015356.
Hereditary nonpolyposis colorectal neoplasms. Identifiers: MedGen C0009405, MeSH D003123.
Lynch syndrome 5 (LYNCH5). Also called: Hereditary non-polyposis colorectal cancer, type 5; Colorectal cancer, hereditary nonpolyposis, type 5. Identifiers: Orphanet 144, MedGen C1833477, MONDO:0013710, OMIM 614350. Disease mechanism: loss of function.

Allele frequency attached by ClinVar (database versions not stated): TOPMed below 0.00001.

Submissions (5):

Labcorp Genetics (formerly Invitae), Labcorp
Classification: Likely benign for Hereditary nonpolyposis colorectal neoplasms. Last evaluated: 2025-11-16. Review status: criteria provided, single submitter. Criteria: Invitae Variant Classification Sherloc (09022015). Collection method: clinical testing. Allele origin: germline.

Myriad Genetics, Inc.
Classification: Benign for Lynch syndrome 5. Last evaluated: 2024-12-17. Review status: criteria provided, single submitter. Criteria: Myriad Autosomal Dominant, Autosomal Recessive and X-Linked Classification Criteria (2023). Collection method: clinical testing. Allele origin: unknown.
Comment: This variant is considered benign. This variant is a silent/synonymous amino acid change and it is not expected to impact splicing.

Genetic Services Laboratory, University of Chicago
Classification: Uncertain significance. Last evaluated: 2021-05-26. Review status: criteria provided, single submitter. Criteria: ACMG Guidelines, 2015. Collection method: clinical testing. Allele origin: germline. Affected: no.

Ambry Genetics
Classification: Likely benign for Hereditary cancer-predisposing syndrome. Last evaluated: 2021-02-04. Review status: criteria provided, single submitter. Criteria: Ambry Variant Classification Scheme 2023. Collection method: clinical testing. Allele origin: germline.

GeneDx
Classification: Likely benign. Last evaluated: 2018-11-02. Review status: criteria provided, single submitter. Criteria: GeneDx Variant Classification Process June 2021. Collection method: clinical testing. Allele origin: germline. Affected: yes.